The following is an entry in ClinVar:

NM_002180.3(IGHMBP2):c.1826C>T (p.Ala609Val)

Gene: IGHMBP2 (immunoglobulin mu DNA binding protein 2; plus strand). Cytogenetic location: 11q13.3.
Variant type: single nucleotide variant.
Coding change: c.1826C>T on transcript NM_002180.3 (MANE Select); coding-DNA position 1826, C replaced by T.
Protein change: p.Ala609Val; replaces alanine 609 with valine.
Molecular consequence: missense variant.
Genome position (GRCh38, 1-based): chr11:68,936,306, C>T. VCF-style: chr11-68936306-C-T. GRCh37 (hg19) VCF-style: chr11-68703774-C-T.
Other names: short protein forms A609V.
Identifiers: ClinVar variation 646080 (VCV000646080.7), dbSNP rs776775995, ClinGen allele CA6153788.

ClinVar aggregate classification (germline): Uncertain significance. Review status: criteria provided, multiple submitters, no conflicts (2 of 4 stars). 2 submissions from 2 submitters: Uncertain significance (2). Last evaluated 2024-06-11.

Conditions:
Charcot-Marie-Tooth disease axonal type 2S. Also called: CHARCOT-MARIE-TOOTH DISEASE, AXONAL, AUTOSOMAL RECESSIVE, TYPE 2S; CHARCOT-MARIE-TOOTH NEUROPATHY, TYPE 2S. Identifiers: Orphanet 443073, MedGen C4015349, MONDO:0014511, OMIM 616155.
Autosomal recessive distal spinal muscular atrophy 1. Also called: SEVERE INFANTILE AXONAL NEUROPATHY WITH RESPIRATORY FAILURE; SPINAL MUSCULAR ATROPHY, DIAPHRAGMATIC; HMN VI; NEURONOPATHY, SEVERE INFANTILE AXONAL, WITH RESPIRATORY FAILURE; Spinal muscular atrophy with respiratory distress 1; NEURONOPATHY, DISTAL HEREDITARY MOTOR, HARDING TYPE VI. Identifiers: Orphanet 98920, MedGen C1858517, MONDO:0011436, OMIM 604320.
Inborn genetic diseases. Identifiers: MedGen C0950123, MeSH D030342.

Allele frequency attached by ClinVar (database versions not stated): ExAC 0.00001; gnomAD exomes 0.00001; TOPMed 0.00002.
gnomAD v4.1: 23 of 1,614,044 alleles (0.0014%); highest among the groups gnomAD compares: Middle Eastern, 0.016%; no homozygotes.

Submissions (2):

Ambry Genetics
Classification: Uncertain significance for Inborn genetic diseases. Last evaluated: 2024-06-11. Review status: criteria provided, single submitter. Criteria: Ambry Variant Classification Scheme 2023. Collection method: clinical testing. Allele origin: germline.

Labcorp Genetics (formerly Invitae), Labcorp
Classification: Uncertain significance for Autosomal recessive distal spinal muscular atrophy 1; Charcot-Marie-Tooth disease axonal type 2S. Last evaluated: 2021-08-26. Review status: criteria provided, single submitter. Criteria: Invitae Variant Classification Sherloc (09022015). Collection method: clinical testing. Allele origin: germline.
Comment: This sequence change replaces alanine with valine at codon 609 of the IGHMBP2 protein (p.Ala609Val). The alanine residue is moderately conserved and there is a small physicochemical difference between alanine and valine. This variant is present in population databases (rs776775995, ExAC 0.006%). This variant has not been reported in the literature in individuals affected with IGHMBP2-related conditions. Algorithms developed to predict the effect of missense changes on protein structure and function are either unavailable or do not agree on the potential impact of this missense change (SIFT: "Tolerated"; PolyPhen-2: "Possibly Damaging"; Align-GVGD: "Class C0"). In summary, the available evidence is currently insufficient to determine the role of this variant in disease. Therefore, it has been classified as a Variant of Uncertain Significance.